The following is an entry in ClinVar:

ClinVar aggregate classification (germline): Uncertain significance (1 of 4 stars; one submission).

Conditions:
Inborn genetic diseases. Identifiers: MedGen C0950123, MeSH D030342.

Allele frequency attached by ClinVar (database versions not stated): gnomAD 0.00001.
gnomAD v4.1: 1 of 1,613,882 alleles (0.000062%); highest among the groups gnomAD compares: African/African-American, 0.0013%; no homozygotes.

Submission:

Ambry Genetics
Classification: Uncertain significance for Inborn genetic diseases. Last evaluated: 2019-05-09. Review status: criteria provided, single submitter. Criteria: Ambry Variant Classification Scheme 2023. Collection method: clinical testing. Allele origin: germline.
Comment: The p.P342S variant (also known as c.1024C>T), located in coding exon 7 of the ANKRD11 gene, results from a C to T substitution at nucleotide position 1024. The proline at codon 342 is replaced by serine, an amino acid with similar properties. This amino acid position is highly conserved in available vertebrate species. In addition, the in silico prediction for this alteration is inconclusive. Since supporting evidence is limited at this time, the clinical significance of this alteration remains unclear.

NM_013275.6(ANKRD11):c.1024C>T (p.Pro342Ser)

Gene: ANKRD11 (ankyrin repeat domain containing 11; minus strand). Cytogenetic location: 16q24.3.
Variant type: single nucleotide variant.
Coding change: c.1024C>T on transcript NM_013275.6 (MANE Select); coding-DNA position 1024, C replaced by T.
Protein change: p.Pro342Ser; replaces proline 342 with serine.
Molecular consequence: missense variant.
Genome position (GRCh38, 1-based): chr16:89,285,518, G>A on the plus strand (C>T on the coding strand, the complement: ANKRD11 is on the minus strand). VCF-style: chr16-89285518-G-A. GRCh37 (hg19) VCF-style: chr16-89351926-G-A.
Other names: c.1024C>T, p.Pro342Ser (NM_001256182.2, NM_001256183.2); short protein forms P342S.
Identifiers: ClinVar variation 1769073 (VCV001769073.2), dbSNP rs2034587328, ClinGen allele CA397165902.
Genomic context (GRCh38, chr16:89,285,518, plus strand): 5'-CCACCGGAGGAACCCTGTCCTGCTCGTCGTCCTCATCAAACTCATACTCGTCCTTGACGG[G>A]GGCCGTGGCCTTCTGTGGCTCTGGGTTCTTGGCCTTGTGCTTGAGGCCTTTTTCGAACTC-3'
Protein context (NP_037407.4, residues 332-352): KNPEPQKATA[Pro342Ser]VKDEYEFDED